The following is an entry in ClinVar:

NM_001145026.2(PTPRQ):c.3654dup (p.Ala1219fs)

Gene: PTPRQ (protein tyrosine phosphatase receptor type Q; plus strand). Cytogenetic location: 12q21.31.
Variant type: Duplication.
Coding change: c.3654dup on transcript NM_001145026.2 (MANE Select); coding-DNA position 3654, one base duplicated (T; older notation c.3654dupT).
Protein change: p.Ala1219fs; shifts the reading frame from alanine 1219.
Molecular consequence: frameshift variant.
Genome position (GRCh38, 1-based): chr12:80,542,297, T duplicated; the last of 6 consecutive T bases (chr12:80,542,292-80,542,297); duplicating any one gives the same sequence. VCF-style (leftmost placement, unchanged base first): chr12-80542291-C-CT. GRCh37 (hg19) VCF-style: chr12-80936070-C-CT.
Other names: short protein forms A1219fs.
Identifiers: ClinVar variation 3381421 (VCV003381421.1).

ClinVar aggregate classification (germline): Likely pathogenic (1 of 4 stars; one submission).

Submission:

GeneDx
Classification: Likely pathogenic. Last evaluated: 2024-05-20. Review status: criteria provided, single submitter. Criteria: GeneDx Variant Classification Process June 2021. Collection method: clinical testing. Allele origin: germline. Affected: yes.
Comment: Frameshift variant predicted to result in protein truncation or nonsense mediated decay in a gene for which loss of function is a known mechanism of disease; Not observed at significant frequency in large population cohorts (gnomAD); Has not been previously published as pathogenic or benign to our knowledge